The following is an entry in ClinVar:

ClinVar aggregate classification (germline): Uncertain significance (1 of 4 stars; one submission).

Conditions:
Ehlers-Danlos syndrome, classic type, 1 (EDSCL1). Also called: EHLERS-DANLOS SYNDROME, GRAVIS TYPE; EHLERS-DANLOS SYNDROME, SEVERE CLASSIC TYPE; EDS I; Ehlers-Danlos Syndrome, Classic Type, COL5A1-Related; Ehlers-Danlos syndrome, type 1. Identifiers: MedGen C0268335, MONDO:0019567, OMIM 130000.

Submission:

Labcorp Genetics (formerly Invitae), Labcorp
Classification: Uncertain significance for Ehlers-Danlos syndrome, classic type, 1. Last evaluated: 2020-08-30. Review status: criteria provided, single submitter. Criteria: Invitae Variant Classification Sherloc (09022015). Collection method: clinical testing. Allele origin: germline.
Comment: In summary, the available evidence is currently insufficient to determine the role of this variant in disease. Therefore, it has been classified as a Variant of Uncertain Significance. Advanced modeling of protein sequence and biophysical properties (such as structural, functional, and spatial information, amino acid conservation, physicochemical variation, residue mobility, and thermodynamic stability) performed at Invitae indicates that this missense variant is not expected to disrupt COL5A2 protein function. This variant has not been reported in the literature in individuals with COL5A2-related conditions. This variant is not present in population databases (ExAC no frequency). This sequence change replaces proline with glutamine at codon 337 of the COL5A2 protein (p.Pro337Gln). The proline residue is highly conserved and there is a moderate physicochemical difference between proline and glutamine.

NM_000393.5(COL5A2):c.1010C>A (p.Pro337Gln)

Gene: COL5A2 (collagen type V alpha 2 chain; minus strand). Cytogenetic location: 2q32.2.
Variant type: single nucleotide variant.
Coding change: c.1010C>A on transcript NM_000393.5 (MANE Select); coding-DNA position 1010, C replaced by A.
Protein change: p.Pro337Gln; replaces proline 337 with glutamine.
Molecular consequence: missense variant.
Genome position (GRCh38, 1-based): chr2:189,078,565, G>T on the plus strand (C>A on the coding strand, the complement: COL5A2 is on the minus strand). VCF-style: chr2-189078565-G-T. GRCh37 (hg19) VCF-style: chr2-189943291-G-T.
Other names: short protein forms P337Q.
Identifiers: ClinVar variation 1034493 (VCV001034493.10), dbSNP rs766349082, ClinGen allele CA349855843.